The following is an entry in ClinVar:

ClinVar aggregate classification (germline): Uncertain significance (1 of 4 stars; one submission).

Conditions:
X-linked progressive cerebellar ataxia. Also called: OLIVOPONTOCEREBELLAR ATROPHY, X-LINKED; OPCA, X-LINKED; Spinocerebellar ataxia, X-linked 1. Identifiers: Orphanet 1175, MedGen C0796205, MONDO:0010547, OMIM 302500.

gnomAD v4.1: 1 of 1,211,868 alleles (0.000083%); highest among the groups gnomAD compares: Middle Eastern, 0.023%; no homozygotes.

Submission:

3billion
Classification: Uncertain significance for X-linked progressive cerebellar ataxia. Last evaluated: 2022-09-01. Review status: criteria provided, single submitter. Criteria: ACMG Guidelines, 2015. Collection method: clinical testing. Allele origin: germline. Affected: yes. Observed: 1 homozygote.
Comment: The variant is not observed in the gnomAD v2.1.1 dataset. Missense changes are a common disease-causing mechanism. In silico tool predictions suggest damaging effect of the variant on gene or gene product (REVEL: 0.85; 3Cnet: 0.18). Therefore, this variant is classified as uncertain significance according to the recommendation of ACMG/AMP guideline.

NM_001001344.3(ATP2B3):c.2541C>G (p.Asp847Glu)

Gene: ATP2B3 (ATPase plasma membrane Ca2+ transporting 3; plus strand). Cytogenetic location: Xq28.
Variant type: single nucleotide variant.
Coding change: c.2541C>G on transcript NM_001001344.3 (MANE Select); coding-DNA position 2541, C replaced by G.
Protein change: p.Asp847Glu; replaces aspartic acid 847 with glutamic acid.
Molecular consequence: missense variant.
Genome position (GRCh38, 1-based): chrX:153,558,219, C>G. VCF-style: chrX-153558219-C-G. GRCh37 (hg19) VCF-style: chrX-152823677-C-G.
Other names: c.2541C>G, p.Asp847Glu (NM_001388360.1, NM_001388361.1, NM_001388362.1 and 1 more transcripts); c.2499C>G, p.Asp833Glu (NM_001410708.1); short protein forms D833E, D847E.
Identifiers: ClinVar variation 1705366 (VCV001705366.1), dbSNP rs2521687418, ClinGen allele CA415073643.